The following is an entry in ClinVar:

NM_054012.4(ASS1):c.1127+1G>T

Gene: ASS1 (argininosuccinate synthase 1; plus strand). Cytogenetic location: 9q34.11.
Variant type: single nucleotide variant.
Coding change: c.1127+1G>T on transcript NM_054012.4 (MANE Select); the canonical splice donor site of the intron after coding-DNA position 1127, G replaced by T.
Molecular consequence: splice donor variant.
Genome position (GRCh38, 1-based): chr9:130,495,024, G>T. VCF-style: chr9-130495024-G-T. GRCh37 (hg19) VCF-style: chr9-133370411-G-T.
Other names: c.1127+1G>T (NM_000050.4).
Identifiers: ClinVar variation 4531237 (VCV004531237.1).

ClinVar aggregate classification (germline): Pathogenic (1 of 4 stars; one submission).

Conditions:
Citrullinemia type I (CTNL1). Also called: ASS DEFICIENCY; argininosuccinate synthetase deficiency. Identifiers: Orphanet 247525, MedGen C4721769, MONDO:0008988, OMIM 215700.

Submission:

Juno Genomics, Hangzhou Juno Genomics, Inc
Classification: Pathogenic for Citrullinemia type I. Review status: criteria provided, single submitter. Criteria: ACMG Guidelines, 2015. Collection method: clinical testing. Allele origin: germline. Affected: yes.
Comment: Absent from controls (or at extremely low frequency if recessive) in Genome Aggregation Database, Exome Sequencing Project, 1000 Genomes Project, or Exome Aggregation Consortium.;Null variant in a gene where loss of function (LOF) is a known mechanism of disease.;For recessive disorders, detected in trans with a pathogenic variant.